The following is an entry in ClinVar:

NM_006885.4(ZFHX3):c.4446A>T (p.Ala1482=)

Genes: ZFHX3 (zinc finger homeobox 3; minus strand), ZFHX3-AS1 (ZFHX3 antisense RNA 1; plus strand). Cytogenetic location: 16q22.2.
Variant type: single nucleotide variant.
Coding change: c.4446A>T on transcript NM_006885.4 (MANE Select); coding-DNA position 4446, A replaced by T.
Protein change: p.Ala1482=; no amino-acid change (alanine 1482 retained).
Molecular consequence: synonymous variant.
Genome position (GRCh38, 1-based): chr16:72,798,236, T>A on the plus strand (A>T on the coding strand, the complement: ZFHX3 is on the minus strand). VCF-style: chr16-72798236-T-A. GRCh37 (hg19) VCF-style: chr16-72832135-T-A.
Other names: c.1704A>T, p.Ala568= (NM_001164766.2); c.4446A>T, p.Ala1482= (NM_001386735.1).
Identifiers: ClinVar variation 1328725 (VCV001328725.6), dbSNP rs740178, ClinGen allele CA8163798.

ClinVar aggregate classification (germline): Benign. Review status: criteria provided, multiple submitters, no conflicts (2 of 4 stars). 4 submissions from 4 submitters: Benign (3). 1 of the submissions does not count toward it. Last evaluated 2024-11-27.

Conditions:
ZFHX3-related disorder. Also called: ZFHX3-related condition.

Allele frequency attached by ClinVar (database versions not stated): gnomAD exomes 0.83444; ExAC 0.83616; ESP Exome Variant Server 0.85480; gnomAD 0.85557 and 0.85789; TOPMed 0.85967; 1000 Genomes Project 0.88618; 1000 Genomes Project 30x 0.88663.
gnomAD v4.1: 1,314,443 of 1,614,082 alleles (81%); highest among the groups gnomAD compares: African/African-American, 97%; 537,465 homozygotes.

Submissions (4):

Blueprint Genetics
Classification: Benign. Last evaluated: 2024-11-27. Review status: criteria provided, single submitter. Criteria: ACMG Guidelines, 2015. Collection method: clinical testing. Allele origin: germline.

GeneDx
Classification: Benign. Last evaluated: 2021-12-14. Review status: criteria provided, single submitter. Criteria: GeneDx Variant Classification Process June 2021. Collection method: clinical testing. Allele origin: germline. Affected: yes.

Breakthrough Genomics
Classification: Benign. Review status: criteria provided, single submitter. Criteria: ACMG Guidelines, 2015. Collection method: not provided. Allele origin: germline. Inheritance: Autosomal dominant inheritance. Affected: yes.

PreventionGenetics, part of Exact Sciences
Classification: Benign for ZFHX3-related condition. Last evaluated: 2019-10-17. Review status: no assertion criteria provided. Collection method: clinical testing. Allele origin: germline. Not counted in ClinVar's aggregate classification.
Comment: This variant is classified as benign based on ACMG/AMP sequence variant interpretation guidelines (Richards et al. 2015 PMID: 25741868, with internal and published modifications).